The following is an entry in ClinVar:

ClinVar aggregate classification (germline): Benign. Review status: criteria provided, multiple submitters, no conflicts (2 of 4 stars). 7 submissions from 2 submitters: Benign (7). Last evaluated 2021-05-14.

Conditions:
Retinitis pigmentosa (RP). Identifiers: Orphanet 791, MedGen C0035334, MeSH D012174, MONDO:0019200, OMIM 268000. Inheritance: Autosomal dominant, autosomal recessive and X linked inheritance.
Choroidal dystrophy, central areolar 2 (CACD2). Also called: MACULAR DYSTROPHY, PROGRESSIVE; Choriodal Dystrophy, Central Areolar 2. Identifiers: Orphanet 75377, MedGen C2751290, MONDO:0013137, OMIM 613105.
Pigmentary retinal dystrophy. Also called: Fundus albipunctatus. Identifiers: Orphanet 227796, Orphanet 52427, MedGen C0311338, MONDO:0007639, OMIM 136880, HP:0030642.
Cone-rod dystrophy. Also called: Cone/cone-rod dystrophy; Cone-rod degeneration. Identifiers: Orphanet 1872, MedGen C4085590, MONDO:0015993, HP:0000548.
Patterned macular dystrophy 1. Also called: BUTTERFLY DYSTROPHY OF RETINAL PIGMENT EPITHELIUM; MACULAR DYSTROPHY, BUTTERFLY-SHAPED PIGMENTARY. Identifiers: Orphanet 99001, MedGen C4551999, MONDO:0008210, OMIM 169150.
Adult-onset foveomacular vitelliform dystrophy. Also called: FOVEOMACULAR DYSTROPHY, ADULT-ONSET; FOVEOMACULAR DYSTROPHY, ADULT-ONSET, WITH OR WITHOUT CHOROIDAL NEOVASCULARIZATION; Adult onset vitelliform dystrophy. Identifiers: Orphanet 99000, MedGen C1842914, MONDO:0011979.

Allele frequency attached by ClinVar (database versions not stated): gnomAD exomes 0.17647; 1000 Genomes Project 30x 0.21190; 1000 Genomes Project 0.21446; TOPMed 0.22317; gnomAD 0.22701 and 0.22757.
gnomAD v4.1: 34,451 of 152,170 alleles (23%); highest among the groups gnomAD compares: Middle Eastern, 26%; 3,956 homozygotes.

Submissions (7):

GeneDx
Classification: Benign. Last evaluated: 2021-05-14. Review status: criteria provided, single submitter. Criteria: GeneDx Variant Classification Process June 2021. Collection method: clinical testing. Allele origin: germline. Affected: yes.

Illumina Laboratory Services, Illumina
Classification: Benign for Pigmentary retinal dystrophy. Last evaluated: 2018-01-12. Review status: criteria provided, single submitter. Criteria: ICSL Variant Classification Criteria 13 December 2019. Collection method: clinical testing. Allele origin: germline.
Comment: This variant was observed in the ICSL laboratory as part of a predisposition screen in an ostensibly healthy population. It had not been previously curated by ICSL or reported in the Human Gene Mutation Database (HGMD: prior to June 1st, 2018), and was therefore a candidate for classification through an automated scoring system. Utilizing variant allele frequency, disease prevalence and penetrance estimates, and inheritance mode, an automated score was calculated to assess if this variant is too frequent to cause the disease. Based on the score and internal cut-off values, a variant classified as benign is not then subjected to further curation. The score for this variant resulted in a classification of benign for this disease.

Illumina Laboratory Services, Illumina
Classification: Benign for Choroidal dystrophy, central areolar 2. Last evaluated: 2018-01-12. Review status: criteria provided, single submitter. Criteria: ICSL Variant Classification Criteria 13 December 2019. Collection method: clinical testing. Allele origin: germline.
Comment: the same text as in the submission from Illumina Laboratory Services, Illumina above.

Illumina Laboratory Services, Illumina
Classification: Benign for Retinitis pigmentosa. Last evaluated: 2018-01-12. Review status: criteria provided, single submitter. Criteria: ICSL Variant Classification Criteria 13 December 2019. Collection method: clinical testing. Allele origin: germline.
Comment: the same text as in the submission from Illumina Laboratory Services, Illumina above.

Illumina Laboratory Services, Illumina
Classification: Benign for Cone-rod dystrophy. Last evaluated: 2018-01-12. Review status: criteria provided, single submitter. Criteria: ICSL Variant Classification Criteria 13 December 2019. Collection method: clinical testing. Allele origin: germline.
Comment: the same text as in the submission from Illumina Laboratory Services, Illumina above.

Illumina Laboratory Services, Illumina
Classification: Benign for Vitelliform macular dystrophy 3. Last evaluated: 2018-01-12. Review status: criteria provided, single submitter. Criteria: ICSL Variant Classification Criteria 13 December 2019. Collection method: clinical testing. Allele origin: germline.
Comment: the same text as in the submission from Illumina Laboratory Services, Illumina above.

Illumina Laboratory Services, Illumina
Classification: Benign for Patterned macular dystrophy 1. Last evaluated: 2018-01-12. Review status: criteria provided, single submitter. Criteria: ICSL Variant Classification Criteria 13 December 2019. Collection method: clinical testing. Allele origin: germline.
Comment: the same text as in the submission from Illumina Laboratory Services, Illumina above.

NM_000322.5(PRPH2):c.*1001C>A

Gene: PRPH2 (peripherin 2; minus strand). Cytogenetic location: 6p21.1.
Variant type: single nucleotide variant.
Coding change: c.*1001C>A on transcript NM_000322.5 (MANE Select); 1001 bases downstream of the stop codon, C replaced by A.
Molecular consequence: 3 prime UTR variant.
Genome position (GRCh38, 1-based): chr6:42,697,294, G>T on the plus strand (C>A on the coding strand, the complement: PRPH2 is on the minus strand). VCF-style: chr6-42697294-G-T. GRCh37 (hg19) VCF-style: chr6-42665032-G-T.
Identifiers: ClinVar variation 356756 (VCV000356756.8), dbSNP rs45550933, ClinGen allele CA10626756.